The following is an entry in ClinVar:

ClinVar aggregate classification (germline): Benign/Likely benign. Review status: criteria provided, multiple submitters, no conflicts (2 of 4 stars). 2 submissions from 2 submitters: Benign (1); Likely benign (1). Last evaluated 2026-05-01.

Allele frequency attached by ClinVar (database versions not stated): ExAC 0.00014; ESP Exome Variant Server 0.00015; TOPMed 0.00016; gnomAD 0.00018; gnomAD exomes 0.00029.
gnomAD v4.1: 446 of 1,612,084 alleles (0.028%); highest among the groups gnomAD compares: Non-Finnish European, 0.037%; 1 homozygote.

Submissions (2):

CeGaT Center for Human Genetics Tuebingen
Classification: Likely benign. Last evaluated: 2026-05-01. Review status: criteria provided, single submitter. Criteria: CeGaT Center For Human Genetics Tuebingen Variant Classification Criteria Version 2. Collection method: clinical testing. Allele origin: germline. Affected: yes. Observed: 1 variant allele.
Comment: PHIP: BP4, BP7

Labcorp Genetics (formerly Invitae), Labcorp
Classification: Benign. Last evaluated: 2025-03-01. Review status: criteria provided, single submitter. Criteria: Invitae Variant Classification Sherloc (09022015). Collection method: clinical testing. Allele origin: germline.

NM_017934.7(PHIP):c.1842G>A (p.Glu614=)

Gene: PHIP (PHIP subunit of CUL4-Ring ligase complex; minus strand). Cytogenetic location: 6q14.1.
Variant type: single nucleotide variant.
Coding change: c.1842G>A on transcript NM_017934.7 (MANE Select); coding-DNA position 1842, G replaced by A.
Protein change: p.Glu614=; no amino-acid change (glutamic acid 614 retained).
Molecular consequence: synonymous variant.
Genome position (GRCh38, 1-based): chr6:79,001,936, C>T on the plus strand (G>A on the coding strand, the complement: PHIP is on the minus strand). VCF-style: chr6-79001936-C-T. GRCh37 (hg19) VCF-style: chr6-79711653-C-T.
Identifiers: ClinVar variation 2050889 (VCV002050889.6), dbSNP rs368612170, ClinGen allele CA3900100.